The following is an entry in ClinVar:

ClinVar aggregate classification (germline): Uncertain significance (1 of 4 stars; one submission).

Conditions:
Inborn genetic diseases. Identifiers: MedGen C0950123, MeSH D030342.

Submission:

Ambry Genetics
Classification: Uncertain significance for Inborn genetic diseases. Last evaluated: 2022-05-16. Review status: criteria provided, single submitter. Criteria: Ambry Variant Classification Scheme 2023. Collection method: clinical testing. Allele origin: germline.
Comment: The p.E163K variant (also known as c.487G>A), located in coding exon 5 of the BUB1B gene, results from a G to A substitution at nucleotide position 487. The glutamic acid at codon 163 is replaced by lysine, an amino acid with similar properties. This amino acid position is conserved. In addition, this alteration is predicted to be deleterious by in silico analysis. Since supporting evidence is limited at this time, the clinical significance of this alteration remains unclear.

NM_001211.6(BUB1B):c.487G>A (p.Glu163Lys)

Gene: BUB1B (BUB1 mitotic checkpoint serine/threonine kinase B; plus strand). Cytogenetic location: 15q15.1.
Variant type: single nucleotide variant.
Coding change: c.487G>A on transcript NM_001211.6 (MANE Select); coding-DNA position 487, G replaced by A.
Protein change: p.Glu163Lys; replaces glutamic acid 163 with lysine.
Molecular consequence: missense variant.
Genome position (GRCh38, 1-based): chr15:40,176,579, G>A. VCF-style: chr15-40176579-G-A. GRCh37 (hg19) VCF-style: chr15-40468780-G-A.
Other names: short protein forms E163K.
Identifiers: ClinVar variation 1743773 (VCV001743773.2), dbSNP rs2542524152, ClinGen allele CA391681266.